The following is an entry in ClinVar:

ClinVar aggregate classification (germline): Benign/Likely benign. Review status: criteria provided, multiple submitters, no conflicts (2 of 4 stars). 13 submissions from 10 submitters: Benign (9); Likely benign (4). Last evaluated 2026-09-01.

Conditions:
Malignant hyperthermia, susceptibility to, 5 (MHS5). Also called: CACNA1S-Related Malignant Hyperthermia Susceptibility. Identifiers: Orphanet 423, MedGen C1866077, MONDO:0011163, OMIM 601887.
Hypokalemic periodic paralysis, type 1. Also called: HypoPP; Hypokalemic Periodic Paralysis Type 1 (AD). Identifiers: Orphanet 681, MedGen C3714580, MONDO:0042979, OMIM 170400.
Thyrotoxic periodic paralysis, susceptibility to, 1 (TTPP1). Identifiers: Orphanet 79102, MedGen C2749982, MONDO:0008570, OMIM 188580.
Congenital myopathy 18. Also called: DIHYDROPYRIDINE RECEPTOR CONGENITAL MYOPATHY; DHPR CONGENITAL MYOPATHY; Myopathy, congenital, due to dihydropyridine receptor defect. Identifiers: MedGen C5830283, MONDO:0859514, OMIM 620246.

Allele frequency attached by ClinVar (database versions not stated): TOPMed 0.00046; gnomAD 0.00050 and 0.00055; ESP Exome Variant Server 0.00054; ExAC 0.00057; gnomAD exomes 0.00057 and 0.00088.
gnomAD v4.1: 1,355 of 1,614,138 alleles (0.084%); highest among the groups gnomAD compares: Non-Finnish European, 0.11%; no homozygotes.

Submissions (13):

CeGaT Center for Human Genetics Tuebingen
Classification: Likely benign. Last evaluated: 2026-09-01. Review status: criteria provided, single submitter. Criteria: CeGaT Center For Human Genetics Tuebingen Variant Classification Criteria Version 2. Collection method: clinical testing. Allele origin: germline. Affected: yes. Observed: 6 variant alleles.
Comment: CACNA1S: BP4, BP7

Labcorp Genetics (formerly Invitae), Labcorp
Classification: Benign for Hypokalemic periodic paralysis, type 1; Malignant hyperthermia, susceptibility to, 5. Last evaluated: 2026-01-26. Review status: criteria provided, single submitter. Criteria: Invitae Variant Classification Sherloc (09022015). Collection method: clinical testing. Allele origin: germline.

Blueprint Genetics
Classification: Likely benign. Last evaluated: 2024-09-05. Review status: criteria provided, single submitter. Criteria: ACMG Guidelines, 2015. Collection method: clinical testing. Allele origin: germline.

All of Us Research Program, National Institutes of Health
Classification: Benign for Malignant hyperthermia, susceptibility to, 5. Last evaluated: 2024-02-05. Review status: criteria provided, single submitter. Criteria: ACMG Guidelines, 2015. Collection method: clinical testing. Allele origin: germline. Inheritance: Autosomal dominant inheritance. Observed: 145 variant alleles, 145 heterozygotes.
Comment: This study involves interpretation of variants in research participants for the purpose of population health screening. Participant phenotype was not available at the time of variant classification. Additional details can be found in publication PMID: 35346344, PMCID: PMC8962531

ARUP Laboratories, Molecular Genetics and Genomics, ARUP Laboratories
Classification: Likely benign. Last evaluated: 2024-01-03. Review status: criteria provided, single submitter. Criteria: ARUP Molecular Germline Variant Investigation Process 2024. Collection method: clinical testing. Allele origin: germline.

Genome-Nilou Lab
Classification: Benign for Malignant hyperthermia, susceptibility to, 5. Last evaluated: 2023-04-11. Review status: criteria provided, single submitter. Criteria: ACMG Guidelines, 2015. Collection method: clinical testing. Allele origin: germline. Affected: no.

Genome-Nilou Lab
Classification: Benign for Thyrotoxic periodic paralysis, susceptibility to, 1. Last evaluated: 2023-04-11. Review status: criteria provided, single submitter. Criteria: ACMG Guidelines, 2015. Collection method: clinical testing. Allele origin: germline. Affected: no.

Genome-Nilou Lab
Classification: Benign for Congenital myopathy 18. Last evaluated: 2023-04-11. Review status: criteria provided, single submitter. Criteria: ACMG Guidelines, 2015. Collection method: clinical testing. Allele origin: germline. Affected: no.

Genome-Nilou Lab
Classification: Benign for Hypokalemic periodic paralysis, type 1. Last evaluated: 2023-04-11. Review status: criteria provided, single submitter. Criteria: ACMG Guidelines, 2015. Collection method: clinical testing. Allele origin: germline. Affected: no.

Color Diagnostics, LLC DBA Color Health
Classification: Benign for Malignant hyperthermia, susceptibility to, 5. Last evaluated: 2022-11-17. Review status: criteria provided, single submitter. Criteria: ACMG Guidelines, 2015. Collection method: clinical testing. Allele origin: germline.

Athena Diagnostics
Classification: Benign. Last evaluated: 2020-10-19. Review status: criteria provided, single submitter. Criteria: Athena Diagnostics criteria. Collection method: clinical testing. Allele origin: unknown.

Illumina Laboratory Services, Illumina
Classification: Benign for Hypokalemic periodic paralysis, type 1. Last evaluated: 2018-01-13. Review status: criteria provided, single submitter. Criteria: ICSL Variant Classification Criteria 13 December 2019. Collection method: clinical testing. Allele origin: germline.
Comment: This variant was observed in the ICSL laboratory as part of a predisposition screen in an ostensibly healthy population. It had not been previously curated by ICSL or reported in the Human Gene Mutation Database (HGMD: prior to June 1st, 2018), and was therefore a candidate for classification through an automated scoring system. Utilizing variant allele frequency, disease prevalence and penetrance estimates, and inheritance mode, an automated score was calculated to assess if this variant is too frequent to cause the disease. Based on the score and internal cut-off values, a variant classified as benign is not then subjected to further curation. The score for this variant resulted in a classification of benign for this disease.

GeneDx
Classification: Likely benign. Last evaluated: 2017-06-20. Review status: criteria provided, single submitter. Criteria: GeneDx Variant Classification (06012015). Collection method: clinical testing. Allele origin: germline. Affected: yes.
Comment: This variant is considered likely benign or benign based on one or more of the following criteria: it is a conservative change, it occurs at a poorly conserved position in the protein, it is predicted to be benign by multiple in silico algorithms, and/or has population frequency not consistent with disease.

NM_000069.3(CACNA1S):c.369T>C (p.Asn123=)

Gene: CACNA1S (calcium voltage-gated channel subunit alpha1 S; minus strand). Cytogenetic location: 1q32.1.
Variant type: single nucleotide variant.
Coding change: c.369T>C on transcript NM_000069.3 (MANE Select); coding-DNA position 369, T replaced by C.
Protein change: p.Asn123=; no amino-acid change (asparagine 123 retained).
Molecular consequence: synonymous variant.
Genome position (GRCh38, 1-based): chr1:201,093,911, A>G on the plus strand (T>C on the coding strand, the complement: CACNA1S is on the minus strand). VCF-style: chr1-201093911-A-G. GRCh37 (hg19) VCF-style: chr1-201063039-A-G.
Identifiers: ClinVar variation 294780 (VCV000294780.44), dbSNP rs148680317, ClinGen allele CA082768.
Genomic context (GRCh38, chr1:201,093,911, plus strand): 5'-GACCTTCAGTCTCCCCACACCCAGCTCTCACCCCAGGAAGACAATGGTGAAGTCCAGCAC[A>G]TTCCAGCCACTGCGCAGGTAAGCGTCCTGGTGGAATAAGAAGCCGTAGGCAATGATCTTC-3'
Protein context (NP_000060.2, residues 113-133): HQDAYLRSGW[Asn123=]VLDFTIVFLG